The following is an entry in ClinVar:

NC_000006.11:g.(?_75901397)_(75912508_?)dup

Gene: COL12A1 (collagen type XII alpha 1 chain; minus strand). Cytogenetic location: 6q14.1.
Variant type: Duplication.
Identifiers: ClinVar variation 3246046 (VCV003246046.1).

ClinVar aggregate classification (germline): Uncertain significance (1 of 4 stars; one submission).

Conditions:
Ullrich congenital muscular dystrophy 2 (UCMD2). Identifiers: Orphanet 75840, MedGen C4225314, MONDO:0014654, OMIM 616470.
Bethlem myopathy 2 (BTHLM2). Identifiers: Orphanet 536516, Orphanet 610, MedGen C4225313, MONDO:0034022, OMIM 616471.

Submission:

Labcorp Genetics (formerly Invitae), Labcorp
Classification: Uncertain significance for Bethlem myopathy 2; Ullrich congenital muscular dystrophy 2. Last evaluated: 2023-07-16. Review status: criteria provided, single submitter. Criteria: Invitae Variant Classification Sherloc (09022015). Collection method: clinical testing. Allele origin: unknown.
Comment: In summary, the available evidence is currently insufficient to determine the role of this variant in disease. Therefore, it has been classified as a Variant of Uncertain Significance. Experimental studies and prediction algorithms are not available or were not evaluated, and the functional significance of this variant is currently unknown. This variant has not been reported in the literature in individuals affected with COL12A1-related conditions. This variant results in a copy number gain of the genomic region encompassing exon(s) 2-5 of the COL12A1 gene. This region includes the initiator codon of the gene. This copy number gain extends beyond the assayed region for this gene and therefore may encompass additional genes. As the precise location of this event is unknown, it may be in tandem or it may be located elsewhere in the genome.